The following is an entry in ClinVar:

NM_002693.3(POLG):c.2688G>A (p.Leu896=)

Gene: POLG (DNA polymerase gamma, catalytic subunit; minus strand). Cytogenetic location: 15q26.1.
Variant type: single nucleotide variant.
Coding change: c.2688G>A on transcript NM_002693.3 (MANE Select); coding-DNA position 2688, G replaced by A.
Protein change: p.Leu896=; no amino-acid change (leucine 896 retained).
Molecular consequence: synonymous variant.
Genome position (GRCh38, 1-based): chr15:89,321,171, C>T on the plus strand (G>A on the coding strand, the complement: POLG is on the minus strand). VCF-style: chr15-89321171-C-T. GRCh37 (hg19) VCF-style: chr15-89864402-C-T.
Other names: c.2688G>A, p.Leu896= (NM_001126131.2).
Identifiers: ClinVar variation 619372 (VCV000619372.4), dbSNP rs769306875, ClinGen allele CA7724383.

ClinVar aggregate classification (germline): Likely benign. Review status: criteria provided, multiple submitters, no conflicts (2 of 4 stars). 2 submissions from 2 submitters: Likely benign (2). Last evaluated 2023-06-29.

Conditions:
Progressive sclerosing poliodystrophy (MTDPS4A). Also called: Alpers-Huttenlocher Syndrome (AHS); Alpers Syndrome; ALPERS PROGRESSIVE INFANTILE POLIODYSTROPHY; Mitochondrial DNA depletion syndrome 4A (Alpers type); ALPERS DIFFUSE DEGENERATION OF CEREBRAL GRAY MATTER WITH HEPATIC CIRRHOSIS; Alpers-Huttenlocher Syndrome. Identifiers: Orphanet 726, MedGen C0205710, MONDO:0008758, OMIM 203700.

Allele frequency attached by ClinVar (database versions not stated): gnomAD exomes below 0.00001 and 0.00001; ExAC 0.00002.
gnomAD v4.1: 6 of 1,614,254 alleles (0.00037%); highest among the groups gnomAD compares: Non-Finnish European, 0.00051%; no homozygotes.

Submissions (2):

Labcorp Genetics (formerly Invitae), Labcorp
Classification: Likely benign for Progressive sclerosing poliodystrophy. Last evaluated: 2023-06-29. Review status: criteria provided, single submitter. Criteria: Invitae Variant Classification Sherloc (09022015). Collection method: clinical testing. Allele origin: germline.

Wong Mito Lab, Molecular and Human Genetics, Baylor College of Medicine
Classification: Likely benign for Progressive sclerosing poliodystrophy. Last evaluated: 2018-10-01. Review status: criteria provided, single submitter. Criteria: ACMG Guidelines, 2015. Collection method: clinical testing. Allele origin: germline.
Comment: The NM_002693.2:c.2688G>A (NP_002684.1:p.Leu896=) [GRCH38: NC_000015.10:g.89321171C>T] variant in POLG gene is interpretated to be a Likely Benign based on ACMG guidelines (PMID: 25741868). This variant meets the following evidence codes reported in the ACMG-guideline. BP4:Computational evidence/predictors indicate no impact on the POLG structure, function, or protein-protein interaction. BP7:The variant is silent with non predicted splice impact. Based on the evidence criteria codes applied, the variant is suggested to be Likely Benign.